The following is an entry in ClinVar:

ClinVar aggregate classification (germline): Uncertain significance (1 of 4 stars; one submission).

Conditions:
Catecholaminergic polymorphic ventricular tachycardia 1. Also called: RYR2-Related Catecholaminergic Polymorphic Ventricular Tachycardia; VENTRICULAR TACHYCARDIA, STRESS-INDUCED POLYMORPHIC 1; VENTRICULAR TACHYCARDIA, CATECHOLAMINERGIC POLYMORPHIC, 1, WITH OR WITHOUT ATRIAL DYSFUNCTION AND/OR DILATED CARDIOMYOPATHY. Identifiers: Orphanet 3286, MedGen C1631597, MONDO:0011484, OMIM 604772.

Submission:

Labcorp Genetics (formerly Invitae), Labcorp
Classification: Uncertain significance for Catecholaminergic polymorphic ventricular tachycardia 1. Last evaluated: 2021-08-18. Review status: criteria provided, single submitter. Criteria: Invitae Variant Classification Sherloc (09022015). Collection method: clinical testing. Allele origin: germline.
Comment: This variant is not present in population databases (ExAC no frequency). This sequence change replaces proline with alanine at codon 1281 of the RYR2 protein (p.Pro1281Ala). The proline residue is highly conserved and there is a small physicochemical difference between proline and alanine. In summary, the available evidence is currently insufficient to determine the role of this variant in disease. Therefore, it has been classified as a Variant of Uncertain Significance. Advanced modeling of protein sequence and biophysical properties (such as structural, functional, and spatial information, amino acid conservation, physicochemical variation, residue mobility, and thermodynamic stability) performed at Invitae indicates that this missense variant is expected to disrupt RYR2 protein function. This variant has not been reported in the literature in individuals affected with RYR2-related conditions.

NM_001035.3(RYR2):c.3841C>G (p.Pro1281Ala)

Genes: RYR2 (ryanodine receptor 2; plus strand), LOC126806067 (BRD4-independent group 4 enhancer GRCh37_chr1:237753258-237754457; plus strand). Cytogenetic location: 1q43.
Variant type: single nucleotide variant.
Coding change: c.3841C>G on transcript NM_001035.3 (MANE Select); coding-DNA position 3841, C replaced by G.
Protein change: p.Pro1281Ala; replaces proline 1281 with alanine.
Molecular consequence: missense variant.
Genome position (GRCh38, 1-based): chr1:237,590,673, C>G. VCF-style: chr1-237590673-C-G. GRCh37 (hg19) VCF-style: chr1-237753973-C-G.
Other names: short protein forms P1281A.
Identifiers: ClinVar variation 1513591 (VCV001513591.7), dbSNP rs2148436643, ClinGen allele CA345397189.